The following is an entry in ClinVar:

NM_002474.3(MYH11):c.488G>A (p.Arg163Gln)

Gene: MYH11 (myosin heavy chain 11; minus strand). Cytogenetic location: 16p13.11.
Variant type: single nucleotide variant.
Coding change: c.488G>A on transcript NM_002474.3 (MANE Select); coding-DNA position 488, G replaced by A.
Protein change: p.Arg163Gln; replaces arginine 163 with glutamine.
Molecular consequence: missense variant.
Genome position (GRCh38, 1-based): chr16:15,823,269, C>T on the plus strand (G>A on the coding strand, the complement: MYH11 is on the minus strand). VCF-style: chr16-15823269-C-T. GRCh37 (hg19) VCF-style: chr16-15917126-C-T.
Other names: c.488G>A, p.Arg163Gln (NM_001040113.2, NM_001040114.2, NM_022844.3); short protein forms R163Q.
Identifiers: ClinVar variation 405482 (VCV000405482.16), dbSNP rs1060500729, ClinGen allele CA16614885.

ClinVar aggregate classification (germline): Uncertain significance. Review status: criteria provided, multiple submitters, no conflicts (2 of 4 stars). 6 submissions from 6 submitters: Uncertain significance (6). Last evaluated 2024-09-23.

Conditions:
Familial thoracic aortic aneurysm and aortic dissection (TAAD). Also called: Thoracic aortic aneurysms and dissections. Identifiers: Orphanet 91387, MedGen C4707243, MONDO:0019625.
Aortic aneurysm, familial thoracic 4 (AAT4). Also called: AORTIC ANEURYSM/AORTIC DISSECTION AND PATENT DUCTUS ARTERIOSUS. Identifiers: MedGen C1851504, MONDO:0007568, OMIM 132900.

Allele frequency attached by ClinVar (database versions not stated): gnomAD exomes below 0.00001 and 0.00003; gnomAD 0.00001; TOPMed 0.00002.

Submissions (6):

All of Us Research Program, National Institutes of Health
Classification: Uncertain significance for Familial thoracic aortic aneurysm and aortic dissection. Last evaluated: 2024-09-23. Review status: criteria provided, single submitter. Criteria: ACMG Guidelines, 2015. Collection method: clinical testing. Allele origin: germline. Inheritance: Autosomal dominant inheritance. Observed: 2 variant alleles, 2 heterozygotes.
Comment: This missense variant replaces arginine with glutamine at codon 163 of the MYH11 protein. Computational prediction suggests that this variant may have deleterious impact on protein structure and function (internally defined REVEL score threshold >= 0.7, PMID: 27666373). To our knowledge, functional studies have not been reported for this variant. This variant has not been reported in individuals affected with cardiovascular disorders in the literature. This variant has been identified in 1/251406 chromosomes in the general population by the Genome Aggregation Database (gnomAD). The available evidence is insufficient to determine the role of this variant in disease conclusively. Therefore, this variant is classified as a Variant of Uncertain Significance.

This study involves interpretation of variants in research participants for the purpose of population health screening. Participant phenotype was not available at the time of variant classification. Additional details can be found in publication PMID: 35346344, PMCID: PMC8962531

Color Diagnostics, LLC DBA Color Health
Classification: Uncertain significance for Familial thoracic aortic aneurysm and aortic dissection. Last evaluated: 2024-03-06. Review status: criteria provided, single submitter. Criteria: ACMG Guidelines, 2015. Collection method: clinical testing. Allele origin: germline.
Comment: This missense variant replaces arginine with glutamine at codon 163 of the MYH11 protein. Computational prediction suggests that this variant may have deleterious impact on protein structure and function (internally defined REVEL score threshold >= 0.7, PMID: 27666373). To our knowledge, functional studies have not been reported for this variant. This variant has not been reported in individuals affected with MYH11-related disorders in the literature. This variant has been identified in 1/251406 chromosomes in the general population by the Genome Aggregation Database (gnomAD). The available evidence is insufficient to determine the role of this variant in disease conclusively. Therefore, this variant is classified as a Variant of Uncertain Significance.

Blueprint Genetics
Classification: Uncertain significance. Last evaluated: 2023-03-14. Review status: criteria provided, single submitter. Criteria: ACMG Guidelines, 2015. Collection method: clinical testing. Allele origin: germline.

Labcorp Genetics (formerly Invitae), Labcorp
Classification: Uncertain significance for Aortic aneurysm, familial thoracic 4. Last evaluated: 2021-08-13. Review status: criteria provided, single submitter. Criteria: Invitae Variant Classification Sherloc (09022015). Collection method: clinical testing. Allele origin: germline.
Comment: This sequence change replaces arginine with glutamine at codon 163 of the MYH11 protein (p.Arg163Gln). The arginine residue is highly conserved and there is a small physicochemical difference between arginine and glutamine. This variant is not present in population databases (ExAC no frequency). This variant has not been reported in the literature in individuals affected with MYH11-related conditions. Algorithms developed to predict the effect of missense changes on protein structure and function are either unavailable or do not agree on the potential impact of this missense change (SIFT: "Deleterious"; PolyPhen-2: "Possibly Damaging"; Align-GVGD: "Class C0"). In summary, the available evidence is currently insufficient to determine the role of this variant in disease. Therefore, it has been classified as a Variant of Uncertain Significance.

Ambry Genetics
Classification: Uncertain significance for Familial thoracic aortic aneurysm and aortic dissection. Last evaluated: 2021-07-15. Review status: criteria provided, single submitter. Criteria: Ambry Variant Classification Scheme 2023. Collection method: clinical testing. Allele origin: germline.
Comment: The p.R163Q variant (also known as c.488G>A), located in coding exon 2 of the MYH11 gene, results from a G to A substitution at nucleotide position 488. The arginine at codon 163 is replaced by glutamine, an amino acid with highly similar properties. This amino acid position is conserved. In addition, this alteration is predicted to be deleterious by in silico analysis. Since supporting evidence is limited at this time, the clinical significance of this alteration remains unclear.

GeneDx
Classification: Uncertain significance. Last evaluated: 2020-07-10. Review status: criteria provided, single submitter. Criteria: GeneDx Variant Classification Process June 2021. Collection method: clinical testing. Allele origin: germline. Affected: yes.
Comment: Has not been previously published as pathogenic or benign to our knowledge; Reported in ClinVar as a variant of uncertain significance (ClinVar Variant ID# 405482; Landrum et al., 2016); Not observed at a significant frequency in large population cohorts (Lek et al., 2016); In silico analysis supports that this missense variant has a deleterious effect on protein structure/function